The following continues an entry in ClinVar:

NM_007294.4(BRCA1):c.181T>G (p.Cys61Gly)

Gene: BRCA1. ClinVar aggregate classification (germline): Pathogenic. Pathogenic (1).

Submissions 54 to 74 of 77:

Genesis Genomics
Classification: Pathogenic for Breast-ovarian cancer, familial, susceptibility to, 1. Review status: criteria provided, single submitter. Criteria: ACMG Guidelines, 2015. Collection method: clinical testing. Allele origin: germline. Affected: yes. Observed: 1 variant allele. Not counted in ClinVar's aggregate classification.

Institute of Genomics, University of Tartu
Classification: Pathogenic for Breast-ovarian cancer, familial, susceptibility to, 1. Review status: criteria provided, single submitter. Criteria: ACMG Guidelines, 2015. Collection method: research. Allele origin: germline. Observed: 1 variant allele. Not counted in ClinVar's aggregate classification.

University of Science and Technology Houari Boumediene, Laboratory of Molecular and Cellular Biology (LBCM)
Classification: Pathogenic for Breast-ovarian cancer, familial, susceptibility to, 1. Review status: criteria provided, single submitter. Criteria: ACMG Guidelines, 2015. Collection method: clinical testing. Allele origin: germline. Inheritance: Autosomal dominant inheritance. Affected: yes. Observed: 1 heterozygote. Not counted in ClinVar's aggregate classification.

University of Science and Technology Houari Boumediene, Laboratory of Molecular and Cellular Biology (LBCM)
Classification: Pathogenic for Hereditary breast ovarian cancer syndrome. Review status: criteria provided, single submitter. Criteria: ACMG Guidelines, 2015. Collection method: clinical testing. Allele origin: germline. Inheritance: Autosomal dominant inheritance. Affected: yes. Observed: 1 heterozygote. Not counted in ClinVar's aggregate classification.

Diagnostics Centre, Carl Von Ossietzky University Oldenburg
Classification: Pathogenic for Familial cancer of breast. Last evaluated: 2023-10-16. Review status: no assertion criteria provided. Collection method: clinical testing. Allele origin: germline. Affected: yes. Observed: 1 variant allele. Not counted in ClinVar's aggregate classification.
Comment: The variant BRCA1:c.181T>G, p.(Cys61Gly) which is located in the coding exon 4 of the BRCA1 gene, results from a thymine to guanine substitution at nucleotide position 181. The cysteine at protein position 61 is replaced by glycine, an amino acid with significantly different properties. Co-localised variants have been described as pathogenic (p.(Cys61Tyr), ClinvarID:54364; p.(Cys61Arg), ClinvarID:54360). This position is directly involved in the binding of a Zn2+ ion and is located in the RING finger domain of the BRCA1 protein. In silico tools predict a severe deleterious effect for the variant (REVEL = 0.95). The variant is as very rare with an overall population allele frequency= 0.00003285 (gnomAD V3.1.2). In Clinvar, this mutation has been consistently classified as pathogenic in 59 entries (ClinvarID: 17661). Numerous publications have associated this alteration with an increased risk of breast cancer (PMIDs:7894493, 10788334, 20683152, 20569256). Functional studies have shown a disruptive effect of this alteration on the function of BRCA1 and a resistance to therapy of tumours with this alteration (PMIDs: 22172724, 9525870, 11278247, 18243530). The variant is classified as Pathogenic.

BRCAlab, Lund University
Classification: Pathogenic for Breast-ovarian cancer, familial, susceptibility to, 1. Last evaluated: 2022-08-26. Review status: no assertion criteria provided. Collection method: clinical testing. Allele origin: germline. Affected: yes. Not counted in ClinVar's aggregate classification.

Genetic Services Laboratory, University of Chicago
Classification: Pathogenic for Breast-ovarian cancer, familial, susceptibility to, 1. Last evaluated: 2021-02-05. Review status: no assertion criteria provided. Collection method: clinical testing. Allele origin: germline. Affected: yes. Not counted in ClinVar's aggregate classification.
Comment: DNA sequence analysis of the BRCA1 gene demonstrated a sequence change, c.181T>G, in exon 4 that results in an amino acid change, p.Cys61Gly. This sequence change has been described in the gnomAD database with a low population frequency of 0.0032% (dbSNP rs28897672). The p.Cys61Gly change affects a highly conserved amino acid residue located in a domain of the BRCA1 protein that is known to be functional. The p.Cys61Gly substitution appears to be deleterious using several in-silico pathogenicity prediction tools (SIFT, PolyPhen2, Align GVGD, REVEL). This sequence change has been reported in a significant number of individuals with breast and ovarian cancer (PMID: 7894493, 10788334, 21324516, 20180014, 20345474, 20507347, 20569256, 19594371). Experimental studies have also demonstrated that this variant disrupts several aspects of BRCA1 function (PMID: 11278247, 9525870, 22172724, 23161852, 23867111). For these reasons, this variant has been classified as Pathogenic.

CZECANCA consortium
Classification: Pathogenic for Breast and/or ovarian cancer. Last evaluated: 2019-06-11. Review status: no assertion criteria provided. Collection method: clinical testing. Allele origin: germline. Affected: yes. Observed: 13 variant alleles. Not counted in ClinVar's aggregate classification.

German Consortium for Hereditary Breast and Ovarian Cancer, University Hospital Cologne
Classification: Pathogenic for Ovarian neoplasm. Last evaluated: 2018-12-01. Review status: no assertion criteria provided. Collection method: research. Allele origin: germline. Affected: yes. Not counted in ClinVar's aggregate classification.

Centre for Mendelian Genomics, University Medical Centre Ljubljana
Classification: Pathogenic for Breast carcinoma. Last evaluated: 2016-04-06. Review status: no assertion criteria provided. Collection method: clinical testing. Allele origin: unknown. Affected: yes. Not counted in ClinVar's aggregate classification.

Counsyl
Classification: Pathogenic for Breast-ovarian cancer, familial, susceptibility to, 1. Last evaluated: 2015-11-12. Review status: no assertion criteria provided. Collection method: clinical testing. Allele origin: unknown. Not counted in ClinVar's aggregate classification.

Research Molecular Genetics Laboratory, Women's College Hospital, University of Toronto
Classification: Pathogenic for Hereditary breast ovarian cancer syndrome. Last evaluated: 2014-01-31. Review status: no assertion criteria provided. Collection method: research. Allele origin: germline. Affected: yes. Study: The Canadian Open Genetics Repository (COGR). Not counted in ClinVar's aggregate classification.

Sharing Clinical Reports Project (SCRP)
Classification: Pathogenic for Breast-ovarian cancer, familial 1. Last evaluated: 2013-09-18. Review status: no assertion criteria provided. Collection method: clinical testing. Allele origin: germline. Not counted in ClinVar's aggregate classification.

OMIM
Classification: Pathogenic for BREAST-OVARIAN CANCER, FAMILIAL, SUSCEPTIBILITY TO, 1. Last evaluated: 2000-06-01. Review status: no assertion criteria provided. Collection method: literature only. Allele origin: unknown. Not counted in ClinVar's aggregate classification.

Breast Cancer Information Core (BIC) (BRCA1)
No classification provided. Condition: Breast-ovarian cancer, familial 1. Review status: no classification provided. Collection method: clinical testing. Allele origin: germline, somatic, unknown. Affected: yes. Observed: 252 variant alleles. Not counted in ClinVar's aggregate classification.

Brotman Baty Institute, University of Washington
No classification provided (evidence only). Condition: Breast-ovarian cancer, familial 1. Review status: no classification provided. Collection method: in vitro. Allele origin: not applicable. Functional consequence: functionally_abnormal. Not counted in ClinVar's aggregate classification.
ClinVar note: "not provided" was previously submitted as the classification for the variant. However, the classification appeared to be based only on an observation of functional data so it was converted to no classification on 2025-07-30.

Clinical Genetics DNA and cytogenetics Diagnostics Lab, Erasmus MC, Erasmus Medical Center
Classification: Pathogenic. Review status: no assertion criteria provided. Collection method: clinical testing. Allele origin: germline. Affected: yes. Study: VKGL Data-share Consensus. Not counted in ClinVar's aggregate classification.

Clinical Genetics Laboratory, Department of Pathology, Netherlands Cancer Institute
Classification: Pathogenic. Review status: no assertion criteria provided. Collection method: clinical testing. Allele origin: germline. Affected: yes. Study: VKGL Data-share Consensus. Not counted in ClinVar's aggregate classification.

Department of Pathology and Laboratory Medicine, Sinai Health System
Classification: Pathogenic for Breast-ovarian cancer, familial, susceptibility to, 1. Review status: no assertion criteria provided. Collection method: clinical testing. Allele origin: unknown. Affected: yes. Observed: 13 variant alleles. Study: The Canadian Open Genetics Repository (COGR). Not counted in ClinVar's aggregate classification.
Comment: The p.Cys61Gly variant has been identified in 64 out of 16070 proband chromosomes (frequency 0.004) in individuals with unilateral and contralateral breast cancers, ovarian cancers and familial breast and ovarian cancer phenotype, and also found in 4 out of 12088 control chromosomes (frequency <0.0001) included in these studies (Bergthorsson 2001, Brozek 2011, Bogdanova 2010, Capanu 2011, Elsakov 2010, Friedman 1994, Scott 2003, Uglanitsa 2010, Zhang 2011). It is listed in dbSNP database presented â€šÃ„Ãºwith probable pathogenic alleleâ€šÃ„Ã¹ (ID#: rs28897672) however no frequency information was available. The p.Cys61 residue is highly conserved in mammals and other species; however, computational analyses (PolyPhen2, SIFT, AlignGVGD) provide inconsistent predictions regarding the impact to the protein and this information is not very predictive of pathogenicity. Functional studies have shown that this variant abolishes ubiquitin ligase activity of the BRCA1-BARD1 heterodimer and impairs BRCA1 DNA repair function, and therefore, it was considered as a pathogenic mutation (Au 2005, Brzovic 2003, Houvras 2000, Millot 2011, Morris 2004, Morris 2006, Ransburgh 2010, Ruffner 2001, Sweet 2010, Caliqo 2009, Humphrey 1997). In addition, this variant has been presented as a clinically important variant in the UMD (40 times) and the BIC (230 times) databases. In summary, based on the above information, this variant is classified as pathogenic.

Diagnostic Laboratory, Department of Genetics, University Medical Center Groningen
Classification: Pathogenic for Breast-ovarian cancer, familial, susceptibility to, 1. Review status: no assertion criteria provided. Collection method: clinical testing. Allele origin: germline. Affected: yes. Study: VKGL Data-share Consensus. Not counted in ClinVar's aggregate classification.

Genome Diagnostics Laboratory, University Medical Center Utrecht
Classification: Pathogenic. Review status: no assertion criteria provided. Collection method: clinical testing. Allele origin: germline. Affected: yes. Study: VKGL Data-share Consensus. Not counted in ClinVar's aggregate classification.